The following is an entry in ClinVar:

ClinVar aggregate classification (germline): Likely benign. Review status: criteria provided, multiple submitters, no conflicts (2 of 4 stars). 3 submissions from 3 submitters: Likely benign (3). Last evaluated 2021-06-22.

Conditions:
Cerebral arteriopathy, autosomal dominant, with subcortical infarcts and leukoencephalopathy, type 1 (CADASIL1). Also called: CADASIL 1; Cerebral arteriopathy with subcortical infarcts and leukoencephalopathy 1; CASIL; DEMENTIA, HEREDITARY MULTIINFARCT TYPE. Identifiers: Orphanet 136, MedGen C4551768, MONDO:0000914, OMIM 125310.

Allele frequency attached by ClinVar (database versions not stated): 1000 Genomes Project 30x 0.00468; gnomAD 0.00826 and 0.00819; 1000 Genomes Project 0.00519; TOPMed 0.00704; gnomAD exomes 0.00855.
gnomAD v4.1: 8,657 of 1,015,174 alleles (0.85%); highest among the groups gnomAD compares: Middle Eastern, 1.1%; 59 homozygotes.

Submissions (3):

GeneDx
Classification: Likely benign. Last evaluated: 2021-06-22. Review status: criteria provided, single submitter. Criteria: GeneDx Variant Classification Process June 2021. Collection method: clinical testing. Allele origin: germline. Affected: yes.
Comment: See Variant Classification Assertion Criteria.

Illumina Laboratory Services, Illumina
Classification: Likely benign for Cerebral arteriopathy, autosomal dominant, with subcortical infarcts and leukoencephalopathy, type 1. Last evaluated: 2017-04-27. Review status: criteria provided, single submitter. Criteria: ICSL Variant Classification Criteria 13 December 2019. Collection method: clinical testing. Allele origin: germline.
Comment: This variant was observed as part of a predisposition screen in an ostensibly healthy population. A literature search was performed for the gene, cDNA change, and amino acid change (where applicable). No publications were found based on this search. Allele frequency data from public databases allowed determination this variant is unlikely to cause disease. Therefore, this variant is classified as likely benign.

Breakthrough Genomics
Classification: Likely benign. Review status: criteria provided, single submitter. Criteria: ACMG Guidelines, 2015. Collection method: not provided. Allele origin: germline. Inheritance: Autosomal dominant inheritance. Affected: yes.

NM_000435.3(NOTCH3):c.*96C>T

Gene: NOTCH3 (notch receptor 3; minus strand). Cytogenetic location: 19p13.12.
Variant type: single nucleotide variant.
Coding change: c.*96C>T on transcript NM_000435.3 (MANE Select); 96 bases downstream of the stop codon, C replaced by T.
Molecular consequence: 3 prime UTR variant.
Genome position (GRCh38, 1-based): chr19:15,160,566, G>A on the plus strand (C>T on the coding strand, the complement: NOTCH3 is on the minus strand). VCF-style: chr19-15160566-G-A. GRCh37 (hg19) VCF-style: chr19-15271377-G-A.
Identifiers: ClinVar variation 328369 (VCV000328369.7), dbSNP rs117165744, ClinGen allele CA10652276.